The following is an entry in ClinVar:

NM_000606.3(C8G):c.276-3C>T

Gene: C8G (complement C8 gamma chain; plus strand). Cytogenetic location: 9q34.3.
Variant type: single nucleotide variant.
Coding change: c.276-3C>T on transcript NM_000606.3 (MANE Select); 3 bases into the intron before coding-DNA position 276, C replaced by T.
Molecular consequence: intron variant.
Genome position (GRCh38, 1-based): chr9:136,945,926, C>T. VCF-style: chr9-136945926-C-T. GRCh37 (hg19) VCF-style: chr9-139840378-C-T.
Other names: NC_000009.11:g.139840378C>T.
Identifiers: ClinVar variation 2659761 (VCV002659761.26), dbSNP rs149516883, ClinGen allele CA5351575.

ClinVar aggregate classification (germline): Likely benign. Review status: criteria provided, multiple submitters, no conflicts (2 of 4 stars). 2 submissions from 2 submitters: Likely benign (2). Last evaluated 2024-11-26.

Allele frequency attached by ClinVar (database versions not stated): ESP Exome Variant Server 0.00195; 1000 Genomes Project 30x 0.00250; 1000 Genomes Project 0.00280.
gnomAD v4.1: 9,138 of 1,559,774 alleles (0.59%); highest among the groups gnomAD compares: Non-Finnish European, 0.51%; 57 homozygotes.

Submissions (10):

Blueprint Genetics
Classification: Likely benign. Last evaluated: 2024-11-26. Review status: criteria provided, single submitter. Criteria: ACMG Guidelines, 2015. Collection method: clinical testing. Allele origin: germline.

CeGaT Center for Human Genetics Tuebingen
Classification: Likely benign. Last evaluated: 2022-06-01. Review status: criteria provided, single submitter. Criteria: CeGaT Center For Human Genetics Tuebingen Variant Classification Criteria Version 2. Collection method: clinical testing. Allele origin: germline. Affected: yes. Observed: 1 variant allele.
Comment: C8G: BP4

Dr. Peter K. Rogan Lab, Western University
No classification provided (evidence only). Condition: Acute myeloid leukemia. Review status: no classification provided. Collection method: in vitro. Allele origin: not applicable. Functional consequence: retained intron. Not counted in ClinVar's aggregate classification.

Dr. Peter K. Rogan Lab, Western University
No classification provided (evidence only). Condition: Acute myeloid leukemia. Review status: no classification provided. Collection method: in vitro. Allele origin: not applicable. Functional consequence: retained intron. Not counted in ClinVar's aggregate classification.

Dr. Peter K. Rogan Lab, Western University
No classification provided (evidence only). Condition: Cervical cancer. Review status: no classification provided. Collection method: in vitro. Allele origin: not applicable. Functional consequence: retained intron. Not counted in ClinVar's aggregate classification.

Dr. Peter K. Rogan Lab, Western University
No classification provided (evidence only). Condition: Cervical cancer. Review status: no classification provided. Collection method: in vitro. Allele origin: not applicable. Functional consequence: retained intron. Not counted in ClinVar's aggregate classification.

Dr. Peter K. Rogan Lab, Western University
No classification provided (evidence only). Condition: Hepatocellular carcinoma. Review status: no classification provided. Collection method: in vitro. Allele origin: not applicable. Functional consequence: retained intron. Not counted in ClinVar's aggregate classification.

Dr. Peter K. Rogan Lab, Western University
No classification provided (evidence only). Condition: Thymoma. Review status: no classification provided. Collection method: in vitro. Allele origin: not applicable. Functional consequence: retained intron. Not counted in ClinVar's aggregate classification.

Dr. Peter K. Rogan Lab, Western University
No classification provided (evidence only). Condition: Thymoma. Review status: no classification provided. Collection method: in vitro. Allele origin: not applicable. Functional consequence: retained intron. Not counted in ClinVar's aggregate classification.

Dr. Peter K. Rogan Lab, Western University
No classification provided (evidence only). Condition: Ovarian serous cystadenocarcinoma. Review status: no classification provided. Collection method: in vitro. Allele origin: not applicable. Functional consequence: retained intron. Not counted in ClinVar's aggregate classification.